The following is an entry in ClinVar:

ClinVar aggregate classification (germline): Pathogenic (0 of 4 stars; one submission).

Conditions:
Neurofibromatosis, type 1 (NF1). Also called: VON RECKLINGHAUSEN DISEASE; NEUROFIBROMATOSIS, TYPE I, SOMATIC; Peripheral type neurofibromatosis; Neurofibromatosis, type I. Identifiers: Orphanet 636, MedGen C0027831, MONDO:0018975, OMIM 162200. Disease mechanism: loss of function.

Submission:

Hong-Tao Li Lab, Institute of Brain Science and Brain-inspired Research, Shandong First Medical University & Shandong Academy of Medical Sciences China
Classification: Pathogenic for Neurofibromatosis, type 1. Review status: no assertion criteria provided. Collection method: research. Allele origin: germline. Inheritance: Autosomal dominant inheritance. Affected: yes. Observed: 1 variant allele, 1 heterozygote.
Comment: Observed in affected individuals from a Pakistani neurodevelopmental-disorder research cohort of 263 individuals. Classification assigned using the ACMG/AMP framework.

NM_001042492.3(NF1):c.4339del (p.Gln1447fs)

Gene: NF1 (neurofibromin 1; plus strand). Cytogenetic location: 17q11.2.
Variant type: Deletion.
Coding change: c.4339del on transcript NM_001042492.3 (MANE Select); coding-DNA position 4339, one base deleted (C; older notation c.4339delC).
Protein change: p.Gln1447fs; shifts the reading frame from glutamine 1447.
Molecular consequence: frameshift variant.
Genome position (GRCh38, 1-based): chr17:31,259,038, C deleted. VCF-style (leftmost placement, unchanged base first): chr17-31259037-TC-T. GRCh37 (hg19) VCF-style: chr17-29586055-TC-T.
Other names: c.4276del, p.Gln1426fs (NM_000267.4); short protein forms Q1426fs, Q1447fs.
Identifiers: ClinVar variation 4884803 (VCV004884803.1).